The following is an entry in ClinVar:

ClinVar aggregate classification (germline): Uncertain significance (1 of 4 stars; one submission).

Submission:

Labcorp Genetics (formerly Invitae), Labcorp
Classification: Uncertain significance. Last evaluated: 2023-10-13. Review status: criteria provided, single submitter. Criteria: Invitae Variant Classification Sherloc (09022015). Collection method: clinical testing. Allele origin: germline.
Comment: This sequence change replaces proline, which is neutral and non-polar, with leucine, which is neutral and non-polar, at codon 945 of the COL11A1 protein (p.Pro945Leu). This variant is not present in population databases (gnomAD no frequency). This variant has not been reported in the literature in individuals affected with COL11A1-related conditions. Advanced modeling of protein sequence and biophysical properties (such as structural, functional, and spatial information, amino acid conservation, physicochemical variation, residue mobility, and thermodynamic stability) performed at Invitae indicates that this missense variant is not expected to disrupt COL11A1 protein function. Algorithms developed to predict the effect of sequence changes on RNA splicing suggest that this variant may disrupt the consensus splice site. In summary, the available evidence is currently insufficient to determine the role of this variant in disease. Therefore, it has been classified as a Variant of Uncertain Significance.

NM_001854.4(COL11A1):c.2834C>T (p.Pro945Leu)

Gene: COL11A1 (collagen type XI alpha 1 chain; minus strand). Cytogenetic location: 1p21.1.
Variant type: single nucleotide variant.
Coding change: c.2834C>T on transcript NM_001854.4 (MANE Select); coding-DNA position 2834, C replaced by T.
Protein change: p.Pro945Leu; replaces proline 945 with leucine.
Molecular consequence: missense variant. On other transcripts: non-coding transcript variant (1).
Genome position (GRCh38, 1-based): chr1:102,970,247, G>A on the plus strand (C>T on the coding strand, the complement: COL11A1 is on the minus strand). VCF-style: chr1-102970247-G-A. GRCh37 (hg19) VCF-style: chr1-103435803-G-A.
Other names: c.2486C>T, p.Pro829Leu (NM_001168249.1, NM_080630.4); c.2717C>T, p.Pro906Leu (NM_001190709.2); c.2870C>T, p.Pro957Leu (NM_080629.3); short protein forms P945L, P906L, P957L, P829L.
Identifiers: ClinVar variation 2719563 (VCV002719563.3), dbSNP rs2525015607, ClinGen allele CA341160630.